The following is an entry in ClinVar:

ClinVar aggregate classification (germline): Uncertain significance (1 of 4 stars; one submission).

Conditions:
Hereditary pancreatitis (PCTT). Also called: Hereditary chronic pancreatitis; PRSS1-Related Hereditary Pancreatitis. Identifiers: Orphanet 676, MedGen C0238339, MONDO:0008185, OMIM 167800.

Submission:

Ambry Genetics
Classification: Uncertain significance for Hereditary pancreatitis. Last evaluated: 2025-04-20. Review status: criteria provided, single submitter. Criteria: Ambry Variant Classification Scheme 2023. Collection method: clinical testing. Allele origin: germline.
Comment: The p.W57G variant (also known as c.169T>G), located in coding exon 2 of the PRSS1 gene, results from a T to G substitution at nucleotide position 169. The tryptophan at codon 57 is replaced by glycine, an amino acid with highly dissimilar properties. This amino acid position is conserved. In addition, this alteration is predicted to be deleterious by in silico analysis. Based on the available evidence, the clinical significance of this variant remains unclear.

NM_002769.5(PRSS1):c.169T>G (p.Trp57Gly)

Genes: PRSS1 (serine protease 1; plus strand), TRB (T cell receptor beta locus; plus strand). Cytogenetic location: 7q34.
Variant type: single nucleotide variant.
Coding change: c.169T>G on transcript NM_002769.5 (MANE Select); coding-DNA position 169, T replaced by G.
Protein change: p.Trp57Gly; replaces tryptophan 57 with glycine.
Molecular consequence: missense variant. On other transcripts: non-coding transcript variant (4).
Genome position (GRCh38, 1-based): chr7:142,750,683, T>G. VCF-style: chr7-142750683-T-G. GRCh37 (hg19) VCF-style: chr7-142458534-T-G.
Other names: short protein forms W57G.
Identifiers: ClinVar variation 3939049 (VCV003939049.1).
Genomic context (GRCh38, chr7:142,750,683, plus strand): 5'-TACCAGGTGTCCCTGAATTCTGGCTACCACTTCTGTGGTGGCTCCCTCATCAACGAACAG[T>G]GGGTGGTATCAGCAGGCCACTGCTACAAGTCGTAAGTGTGGGGCCCCCGACTGCAAAGCT-3'
Protein context (NP_002760.1, residues 47-67): FCGGSLINEQ[Trp57Gly]VVSAGHCYKS